The following is an entry in ClinVar:

ClinVar aggregate classification (germline): Conflicting classifications of pathogenicity. Review status: criteria provided, conflicting classifications (1 of 4 stars). 3 submissions from 3 submitters: Likely pathogenic (2); Uncertain significance (1). Last evaluated 2025-09-24.

Allele frequency attached by ClinVar (database versions not stated): gnomAD exomes below 0.00001; ExAC 0.00001.
gnomAD v4.1: 1 of 1,601,692 alleles (0.000062%); highest among the groups gnomAD compares: Admixed American, 0.0017%; no homozygotes.

Submissions (3):

GeneDx
Classification: Likely pathogenic. Last evaluated: 2025-09-24. Review status: criteria provided, single submitter. Criteria: GeneDx Variant Classification Process June 2021. Collection method: clinical testing. Allele origin: germline. Affected: yes.
Comment: Canonical splice site variant predicted to result in an in-frame loss of the adjacent exon in a gene for which loss of function is a known mechanism of disease; Deletions involving coding exons of this gene are a known mechanism of disease (HGMD); Not observed at significant frequency in large population cohorts (gnomAD); Has not been previously published as pathogenic or benign to our knowledge

Labcorp Genetics (formerly Invitae), Labcorp
Classification: Likely pathogenic. Last evaluated: 2023-08-17. Review status: criteria provided, single submitter. Criteria: Invitae Variant Classification Sherloc (09022015). Collection method: clinical testing. Allele origin: germline.
Comment: In summary, the currently available evidence indicates that the variant is pathogenic, but additional data are needed to prove that conclusively. Therefore, this variant has been classified as Likely Pathogenic. Algorithms developed to predict the effect of sequence changes on RNA splicing suggest that this variant may disrupt the consensus splice site. This variant has not been reported in the literature in individuals affected with COL11A1-related conditions. This variant is present in population databases (rs755396177, gnomAD 0.003%). This sequence change affects a donor splice site in intron 7 of the COL11A1 gene. It is expected to disrupt RNA splicing. Variants that disrupt the donor or acceptor splice site typically lead to a loss of protein function (PMID: 16199547), and loss-of-function variants in COL11A1 are known to be pathogenic (PMID: 20513134, 21035103, 23922384, 25240749, 32427345, 32756486).

Blueprint Genetics
Classification: Uncertain significance. Last evaluated: 2022-08-02. Review status: criteria provided, single submitter. Criteria: ACMG Guidelines, 2015. Collection method: clinical testing. Allele origin: germline.

Literature cited by the submitters: PubMed 16199547 (cited by Labcorp Genetics (formerly Invitae), Labcorp); PubMed 20513134 (cited by Labcorp Genetics (formerly Invitae), Labcorp); PubMed 21035103 (cited by Labcorp Genetics (formerly Invitae), Labcorp); PubMed 23922384 (cited by Labcorp Genetics (formerly Invitae), Labcorp); PubMed 25240749 (cited by Labcorp Genetics (formerly Invitae), Labcorp); PubMed 32427345 (cited by Labcorp Genetics (formerly Invitae), Labcorp); PubMed 32756486 (cited by Labcorp Genetics (formerly Invitae), Labcorp).

NM_001854.4(COL11A1):c.990+1G>T

Gene: COL11A1 (collagen type XI alpha 1 chain; minus strand). Cytogenetic location: 1p21.1.
Variant type: single nucleotide variant.
Coding change: c.990+1G>T on transcript NM_001854.4 (MANE Select); the canonical splice donor site of the intron after coding-DNA position 990, G replaced by T.
Molecular consequence: splice donor variant. On other transcripts: intron variant (1).
Genome position (GRCh38, 1-based): chr1:103,025,520, C>A on the plus strand (G>T on the coding strand, the complement: COL11A1 is on the minus strand). VCF-style: chr1-103025520-C-A. GRCh37 (hg19) VCF-style: chr1-103491076-C-A.
Other names: c.873+1G>T (NM_001190709.2); c.1026+1G>T (NM_080629.3); c.897+696G>T (NM_080630.4).
Identifiers: ClinVar variation 2956424 (VCV002956424.5), dbSNP rs755396177, ClinGen allele CA975176.
Genomic context (GRCh38, chr1:103,025,520, plus strand): 5'-TCAAAATAAATTACATATTTAAAAAGTGGGACTGTGATTTAATACTGTCTATACGTATTA[C>A]CTCATTTGTCCCAGAAACATGCCTAGGAGCTTCTGTCTGGTAACTTTCCATTGTTCCATA-3'